The following is an entry in ClinVar:

ClinVar aggregate classification (germline): Likely pathogenic (1 of 4 stars; one submission).

Conditions:
Hepatic veno-occlusive disease-immunodeficiency syndrome. Also called: Hepatic Veno-Occlusive Disease with Immunodeficiency. Identifiers: Orphanet 79124, MedGen C1856128, MONDO:0009338, OMIM 235550. Disease mechanism: loss of function.
Mycobacterium tuberculosis, susceptibility to. Identifiers: MedGen C1834752, OMIM 607948.

Submission:

Juno Genomics, Hangzhou Juno Genomics, Inc
Classification: Likely pathogenic for Mycobacterium tuberculosis, susceptibility to; Hepatic veno-occlusive disease-immunodeficiency syndrome. Review status: criteria provided, single submitter. Criteria: ACMG Guidelines, 2015. Collection method: clinical testing. Allele origin: germline.
Comment: Absent from controls (or at extremely low frequency if recessive) in Genome Aggregation Database.;Null variant in a gene where loss of function (LOF) is a known mechanism of disease.

NM_080424.4(SP110):c.1543A>T (p.Lys515Ter)

Gene: SP110 (SP110 nuclear body protein; minus strand). Cytogenetic location: 2q37.1.
Variant type: single nucleotide variant.
Coding change: c.1543A>T on transcript NM_080424.4 (MANE Select); coding-DNA position 1543, A replaced by T.
Protein change: p.Lys515Ter; replaces lysine 515 with a stop codon.
Molecular consequence: nonsense.
Genome position (GRCh38, 1-based): chr2:230,177,585, T>A on the plus strand (A>T on the coding strand, the complement: SP110 is on the minus strand). VCF-style: chr2-230177585-T-A. GRCh37 (hg19) VCF-style: chr2-231042301-T-A.
Other names: c.1561A>T, p.Lys521Ter (NM_001185015.2, NM_001378442.1, NM_001378444.1 and 2 more transcripts); c.1543A>T, p.Lys515Ter (NM_001378443.1, NM_004509.5, NM_004510.4); c.1393A>T, p.Lys465Ter (NM_001378447.1); short protein forms K465*, K515*, K521*.
Identifiers: ClinVar variation 5019539 (VCV005019539.2).